The following is an entry in ClinVar:

NM_019066.5(MAGEL2):c.2939del (p.Gly980fs)

Gene: MAGEL2 (MAGE family member L2; minus strand). Cytogenetic location: 15q11.2.
Variant type: Deletion.
Coding change: c.2939del on transcript NM_019066.5 (MANE Select); coding-DNA position 2939, one base deleted (G; older notation c.2939delG).
Protein change: p.Gly980fs; shifts the reading frame from glycine 980.
Molecular consequence: frameshift variant.
Genome position (GRCh38, 1-based): chr15:23,644,804, C deleted on the plus strand (G on the coding strand, the reverse complement: MAGEL2 is on the minus strand); the first of 3 consecutive C bases (chr15:23,644,804-23,644,806); deleting any one gives the same sequence. VCF-style (leftmost placement, unchanged base first): chr15-23644803-AC-A. GRCh37 (hg19) VCF-style: chr15-23889950-AC-A.
Other names: short protein forms G980fs.
Identifiers: ClinVar variation 4102417 (VCV004102417.1).

ClinVar aggregate classification (germline): Likely pathogenic (1 of 4 stars; one submission).

Conditions:
Inborn genetic diseases. Identifiers: MedGen C0950123, MeSH D030342.

Submission:

Ambry Genetics
Classification: Likely pathogenic for Inborn genetic diseases. Last evaluated: 2025-07-10. Review status: criteria provided, single submitter. Criteria: Ambry Variant Classification Scheme 2023. Collection method: clinical testing. Allele origin: germline.
Comment: The c.2939delG (p.G980Vfs*12) alteration, located in exon 1 (coding exon 1) of the MAGEL2 gene, consists of a deletion of one nucleotide at position 2939, causing a translational frameshift with a predicted alternate stop codon after 12 amino acids. However, because MAGEL2 is a single-exon gene this alteration is not expected to trigger nonsense-mediated mRNA decay and an altered protein could still be expressed (Maquat, 2004). This variant was not reported in population-based cohorts in the Genome Aggregation Database (gnomAD). This variant is located in a region of the protein where truncating variants that escape nonsense mediated mRNA decay have been reported as disease-causing for Schaaf-Yang syndrome (McCarthy, 2018; Heimd&ouml;rfer, 2024). Based on the available evidence, this alteration is classified as likely pathogenic.

Literature cited by the submitters: PubMed 30302899; PubMed 38908375.